The following is an entry in ClinVar:

NM_001003787.4(STRADA):c.919G>A (p.Ala307Thr)

Gene: STRADA (STE20 related adaptor alpha; minus strand). Cytogenetic location: 17q23.3.
Variant type: single nucleotide variant.
Coding change: c.919G>A on transcript NM_001003787.4 (MANE Select); coding-DNA position 919, G replaced by A.
Protein change: p.Ala307Thr; replaces alanine 307 with threonine.
Molecular consequence: missense variant. On other transcripts: non-coding transcript variant (1).
Genome position (GRCh38, 1-based): chr17:63,704,522, C>T on the plus strand (G>A on the coding strand, the complement: STRADA is on the minus strand). VCF-style: chr17-63704522-C-T. GRCh37 (hg19) VCF-style: chr17-61781882-C-T.
Other names: c.808G>A, p.Ala270Thr (NM_001003786.3, NM_001363789.1, NM_153335.6); c.745G>A, p.Ala249Thr (NM_001003788.3, NM_001363790.1, NM_001363791.1); c.832G>A, p.Ala278Thr (NM_001165969.2, NM_001363787.1); c.787G>A, p.Ala263Thr (NM_001165970.2); c.895G>A, p.Ala299Thr (NM_001363786.1); c.919G>A, p.Ala307Thr (NM_001363788.1); short protein forms A307T, A249T, A263T, A270T, A278T, A299T.
Identifiers: ClinVar variation 577669 (VCV000577669.7), dbSNP rs772354394, ClinGen allele CA8703179.

ClinVar aggregate classification (germline): Uncertain significance (1 of 4 stars; one submission).

Conditions:
Polyhydramnios, megalencephaly, and symptomatic epilepsy (PMSE). Also called: PMSE SYNDROME. Identifiers: Orphanet 500533, MedGen C1970203, MONDO:0012611, OMIM 611087.

Allele frequency attached by ClinVar (database versions not stated): TOPMed below 0.00001; gnomAD exomes 0.00001; ExAC 0.00002.
gnomAD v4.1: 14 of 1,581,016 alleles (0.00089%); highest among the groups gnomAD compares: Admixed American, 0.0018%; no homozygotes.

Submission:

Labcorp Genetics (formerly Invitae), Labcorp
Classification: Uncertain significance for Polyhydramnios, megalencephaly, and symptomatic epilepsy. Last evaluated: 2024-10-30. Review status: criteria provided, single submitter. Criteria: Invitae Variant Classification Sherloc (09022015). Collection method: clinical testing. Allele origin: germline.
Comment: This sequence change replaces alanine, which is neutral and non-polar, with threonine, which is neutral and polar, at codon 307 of the STRADA protein (p.Ala307Thr). The frequency data for this variant in the population databases is considered unreliable, as metrics indicate poor data quality at this position in the gnomAD database. This variant has not been reported in the literature in individuals affected with STRADA-related conditions. ClinVar contains an entry for this variant (Variation ID: 577669). An algorithm developed to predict the effect of missense changes on protein structure and function (PolyPhen-2) suggests that this variant¬†is likely to be tolerated. In summary, the available evidence is currently insufficient to determine the role of this variant in disease. Therefore, it has been classified as a Variant of Uncertain Significance.